The following is an entry in ClinVar:

NC_000002.11:g.211436160_211541748del105589

Gene: CPS1 (carbamoyl-phosphate synthase 1; plus strand). Cytogenetic location: 2q34.
Variant type: Deletion.
Identifiers: ClinVar variation 2429185 (VCV002429185.3).

ClinVar aggregate classification (germline): Likely pathogenic (1 of 4 stars; one submission).

Conditions:
Congenital hyperammonemia, type I. Also called: Carbamoyl phosphate synthetase I deficiency disease; CPS I DEFICIENCY; Carbamoyl phosphate synthetase 1 deficiency; Hyperammonemia due to carbamoyl phosphate synthetase 1 deficiency; CPS 1 deficiency; Carbamyl phosphate synthetase (CPS) deficiency. Identifiers: Orphanet 147, MedGen C4082171, MONDO:0009376, OMIM 237300.

Submission:

Women's Health and Genetics/Laboratory Corporation of America, LabCorp
Classification: Likely pathogenic for Congenital hyperammonemia, type I. Last evaluated: 2023-01-10. Review status: criteria provided, single submitter. Criteria: LabCorp Variant Classification Summary - May 2015. Collection method: clinical testing. Allele origin: germline.
Comment: Variant summary: The variant identified by MLPA or other technology involves the deletion of exons 2-36 and partial exon 37 in the CPS1 gene. A presumed nomenclature of c.127-1862_4292del105589 has been designated for the purposes of this classification. It is expected to result in a frameshift removing multiple domains (examples: IPR002474, IPR005489) from the encoded protein including the ATP binding domain (IPR005479). The variant was absent in 21690 control chromosomes (gnomAD, Structural Variants dataset). To our knowledge, no occurrence of c.127-1862_4292del105589 in individuals affected with Carbamoylphosphate Synthetase I Deficiency and no experimental evidence demonstrating its impact on protein function have been reported. Overlapping deletions have been associated with Carbamoyl phosphate synthetase I deficiency (ex 9-10del) in HGMD and classified pathogenic in ClinVar (ex.26-27del, ClinVar ID1455517). No clinical diagnostic laboratories have submitted clinical-significance assessments for this variant to ClinVar after 2014. Based on the evidence outlined above, the variant was classified as likely pathogenic.